The following is an entry in ClinVar:

NM_001039876.3(SYNE4):c.1081TTCCTCCTC[3] (p.Leu366_Leu367insPheLeuLeu)

Gene: SYNE4 (spectrin repeat containing nuclear envelope family member 4; minus strand). Cytogenetic location: 19q13.12.
Variant type: Microsatellite.
Coding change: c.1081TTCCTCCTC[3] on transcript NM_001039876.3 (MANE Select); three copies in a row of the 9-base unit TTCCTCCTC starting at c.1081; the reference has two copies in a row; one copy, 9 bases duplicated.
Protein change: p.Leu366_Leu367insPheLeuLeu.
Molecular consequence: inframe insertion.
Genome position (GRCh38, 1-based): chr19:36,003,454-36,003,462, GAGGAGGAA duplicated on the plus strand (TTCCTCCTC on the coding strand, the reverse complement: SYNE4 is on the minus strand); duplicating any 9 consecutive bases within chr19:36,003,454-36,003,476 gives the same sequence; the position shown is the placement nearest the transcript's 3' end. VCF-style (leftmost placement, unchanged base first): chr19-36003453-G-GGAGGAGGAA. GRCh37 (hg19) VCF-style: chr19-36494355-G-GGAGGAGGAA.
Other names: c.742TTCCTCCTC[3], p.Leu253_Leu254insPheLeuLeu (NM_001297735.3).
Identifiers: ClinVar variation 4086570 (VCV004086570.3).
Genomic context (GRCh38, chr19:36,003,453, plus strand): 5'-TTCGGGCATGAGAGCAGCAGGGGCCTCCTGACGCGGGCAGGAGAAACATGGCACCCACCA[G>GGAGGAGGAA]GAGGAGGAAGAGGAGGAAGAGGATAAGGAGGAAGGTCAGAGGCTGCCTGGATGCAGGATC-3'

ClinVar aggregate classification (germline): Uncertain significance. Review status: criteria provided, multiple submitters, no conflicts (2 of 4 stars). 2 submissions from 2 submitters: Uncertain significance (2). Last evaluated 2025-10-15.

Submissions (2):

GeneDx
Classification: Uncertain significance. Last evaluated: 2025-10-15. Review status: criteria provided, single submitter. Criteria: GeneDx Variant Classification Process June 2021. Collection method: clinical testing. Allele origin: germline.
Comment: In-frame duplication of three amino acids in a non-repeat region; Has not been previously published as pathogenic or benign to our knowledge

Blueprint Genetics
Classification: Uncertain significance. Last evaluated: 2024-10-04. Review status: criteria provided, single submitter. Criteria: ACMG Guidelines, 2015. Collection method: clinical testing. Allele origin: germline.